The following is an entry in ClinVar:

ClinVar aggregate classification (germline): Uncertain significance (1 of 4 stars; one submission).

Conditions:
Developmental and epileptic encephalopathy, 64. Also called: EPILEPTIC ENCEPHALOPATHY, EARLY INFANTILE, 64. Identifiers: MedGen C4693899, MONDO:0033373, OMIM 618004.

Submission:

Neuberg Centre For Genomic Medicine, NCGM
Classification: Uncertain significance for Developmental and epileptic encephalopathy, 64. Last evaluated: 2023-06-22. Review status: criteria provided, single submitter. Criteria: ACMG Guidelines, 2015. Collection method: clinical testing. Allele origin: germline. Inheritance: Autosomal dominant inheritance. Affected: yes.
Comment: The frame shift c.1067del (p.Gly356AlafsTer39) variant in RHOBTB2 gene has not been reported previously as a pathogenic variant nor as a benign variant, to our knowledge. The observed variant is absent in gnomAD exomes database. This variant has not been submitted to the ClinVar database. This variant causes a frameshift starting with codon Glycine 356, changes this amino acid to Alanine residue, and creates a premature Stop codon at position 39 of the new reading frame, denoted p.Gly356AlafsTer39. As loss of function variants are not reported / not common in this gene, for these reasons, this variant is classified as Uncertain Significance (VUS).

NM_015178.3(RHOBTB2):c.1067del (p.Gly356fs)

Gene: RHOBTB2 (Rho related BTB domain containing 2; plus strand). Cytogenetic location: 8p21.3.
Variant type: Deletion.
Coding change: c.1067del on transcript NM_015178.3 (MANE Select); coding-DNA position 1067, one base deleted (G; older notation c.1067delG).
Protein change: p.Gly356fs; shifts the reading frame from glycine 356.
Molecular consequence: frameshift variant.
Genome position (GRCh38, 1-based): chr8:23,007,312, G deleted; the last of 5 consecutive G bases (chr8:23,007,308-23,007,312); deleting any one gives the same sequence. VCF-style (leftmost placement, unchanged base first): chr8-23007307-TG-T. GRCh37 (hg19) VCF-style: chr8-22864820-TG-T.
Other names: c.1133del, p.Gly378fs (NM_001160036.2); c.1088del, p.Gly363fs (NM_001160037.2); c.1067del, p.Gly356fs (NM_001374791.1); short protein forms G356fs, G363fs, G378fs.
Identifiers: ClinVar variation 3731542 (VCV003731542.1).